The following is an entry in ClinVar:

ClinVar aggregate classification (germline): Uncertain significance. Review status: criteria provided, multiple submitters, no conflicts (2 of 4 stars). 4 submissions from 4 submitters: Uncertain significance (4). Last evaluated 2025-11-06.

Conditions:
Ehlers-Danlos syndrome, dermatosparaxis type. Also called: Dermatosparaxis; EDS VIIC; Ehlers-Danlos syndrome, type VII, autosomal recessive. Identifiers: Orphanet 1901, MedGen C2700425, MONDO:0009161, OMIM 225410.

Allele frequency attached by ClinVar (database versions not stated): ExAC 0.00006.
gnomAD v4.1: 16 of 1,545,484 alleles (0.001%); highest among the groups gnomAD compares: South Asian, 0.0036%; no homozygotes.

Submissions (4):

Women's Health and Genetics/Laboratory Corporation of America, LabCorp
Classification: Uncertain significance. Last evaluated: 2025-11-06. Review status: criteria provided, single submitter. Criteria: LabCorp Variant Classification Summary - May 2015. Collection method: clinical testing. Allele origin: germline.
Comment: Variant summary: ADAMTS2 c.1778C>T (p.Pro593Leu) results in a non-conservative amino acid change in the encoded protein sequence. Algorithms developed to predict the effect of missense changes on protein structure and function all suggest that this variant is likely to be disruptive. Consensus agreement among computation tools predict no significant impact on normal splicing. However, these predictions have yet to be confirmed by functional studies. The variant allele was found at a frequency of 2.7e-05 in 145998 control chromosomes. The available data on variant occurrences in the general population are insufficient to allow any conclusion about variant significance. To our knowledge, no occurrence of c.1778C>T in individuals affected with ADAMTS2-related conditions and no experimental evidence demonstrating its impact on protein function have been reported. ClinVar contains an entry for this variant (Variation ID: 1163453). Based on the evidence outlined above, the variant was classified as uncertain significance.

Labcorp Genetics (formerly Invitae), Labcorp
Classification: Uncertain significance for Ehlers-Danlos syndrome, dermatosparaxis type. Last evaluated: 2022-07-18. Review status: criteria provided, single submitter. Criteria: Invitae Variant Classification Sherloc (09022015). Collection method: clinical testing. Allele origin: germline.
Comment: This sequence change replaces proline, which is neutral and non-polar, with leucine, which is neutral and non-polar, at codon 593 of the ADAMTS2 protein (p.Pro593Leu). The frequency data for this variant in the population databases is considered unreliable, as metrics indicate poor data quality at this position in the gnomAD database. This variant has not been reported in the literature in individuals affected with ADAMTS2-related conditions. ClinVar contains an entry for this variant (Variation ID: 1163453). Algorithms developed to predict the effect of missense changes on protein structure and function (SIFT, PolyPhen-2, Align-GVGD) all suggest that this variant is likely to be disruptive. In summary, the available evidence is currently insufficient to determine the role of this variant in disease. Therefore, it has been classified as a Variant of Uncertain Significance.

Department of Pathology and Laboratory Medicine, Sinai Health System
Classification: Uncertain significance for Ehlers-Danlos syndrome, dermatosparaxis type. Last evaluated: 2021-09-24. Review status: criteria provided, single submitter. Criteria: ACMG Guidelines, 2015. Collection method: research. Allele origin: germline.

Mayo Clinic Laboratories, Mayo Clinic
Classification: Uncertain significance. Last evaluated: 2021-03-16. Review status: criteria provided, single submitter. Criteria: ACMG Guidelines, 2015. Collection method: clinical testing. Allele origin: germline. Observed: 1 variant allele.

NM_014244.5(ADAMTS2):c.1778C>T (p.Pro593Leu)

Gene: ADAMTS2 (ADAM metallopeptidase with thrombospondin type 1 motif 2; minus strand). Cytogenetic location: 5q35.3.
Variant type: single nucleotide variant.
Coding change: c.1778C>T on transcript NM_014244.5 (MANE Select); coding-DNA position 1778, C replaced by T.
Protein change: p.Pro593Leu; replaces proline 593 with leucine.
Molecular consequence: missense variant.
Genome position (GRCh38, 1-based): chr5:179,137,942, G>A on the plus strand (C>T on the coding strand, the complement: ADAMTS2 is on the minus strand). VCF-style: chr5-179137942-G-A. GRCh37 (hg19) VCF-style: chr5-178564943-G-A.
Other names: short protein forms P593L.
Identifiers: ClinVar variation 1163453 (VCV001163453.12), dbSNP rs373020640, ClinGen allele CA3595775.
Genomic context (GRCh38, chr5:179,137,942, plus strand): 5'-TGGCGGCTGCAGAGCTGGAAGTCGTAGGCAAGGCCCGAGCAGGTGCGGCCCCCGTTGGCC[G>A]GGCTGGAGGAGAAAGCAAAGGCCTTGCCGCTCCGTGCCATTGGAAAGAGGCAGCACCCGG-3'
Protein context (NP_055059.2, residues 583-603): FRTRQCDNPH[Pro593Leu]ANGGRTCSGL